The following is an entry in ClinVar:

NM_005660.3(SLC35A2):c.561C>T (p.Ala187=)

Gene: SLC35A2 (solute carrier family 35 member A2; minus strand). Cytogenetic location: Xp11.23.
Variant type: single nucleotide variant.
Coding change: c.561C>T on transcript NM_005660.3 (MANE Select); coding-DNA position 561, C replaced by T.
Protein change: p.Ala187=; no amino-acid change (alanine 187 retained).
Molecular consequence: synonymous variant. On other transcripts: intron variant (3).
Genome position (GRCh38, 1-based): chrX:48,905,348, G>A on the plus strand (C>T on the coding strand, the complement: SLC35A2 is on the minus strand). VCF-style: chrX-48905348-G-A. GRCh37 (hg19) VCF-style: chrX-48762625-G-A.
Other names: c.561C>T, p.Ala187= (NM_001042498.3); c.378C>T, p.Ala126= (NM_001282649.2); c.600C>T, p.Ala200= (NM_001282650.2); c.645C>T, p.Ala215= (NM_001282651.2); c.427-456C>T (NM_001282647.2, NM_001032289.3); c.355-456C>T (NM_001282648.2).
Identifiers: ClinVar variation 383300 (VCV000383300.17), dbSNP rs370394797, ClinGen allele CA10406118.
Genomic context (GRCh38, chrX:48,905,348, plus strand): 5'-CACGACGGCTGCCAGGCCTGCCCCAGGGTTCTGATCCAGTGGCCGTGGGCCTCCCCCACC[G>A]GCTTGCTGTGCCTGGACAATGGCGACGCCAGTGAAGAGGAGCAGCAGGGAGGCCCACTGC-3'
Protein context (NP_005651.1, residues 177-197): TGVAIVQAQQ[Ala187=]GGGGPRPLDQ

ClinVar aggregate classification (germline): Benign/Likely benign. Review status: criteria provided, multiple submitters, no conflicts (2 of 4 stars). 4 submissions from 4 submitters: Benign (1); Likely benign (3). Last evaluated 2025-12-28.

Conditions:
SLC35A2-congenital disorder of glycosylation. Also called: DEVELOPMENTAL AND EPILEPTIC ENCEPHALOPATHY 22; CONGENITAL DISORDER OF GLYCOSYLATION, TYPE IIm; CDG IIm; CONGENITAL DISORDER OF GLYCOSYLATION, TYPE IIm, SOMATIC MOSAIC; EPILEPTIC ENCEPHALOPATHY, EARLY INFANTILE, 22; SLC35A2-CDG. Identifiers: Orphanet 356961, MedGen C3806688, MONDO:0010478, OMIM 300896.
Inborn genetic diseases. Identifiers: MedGen C0950123, MeSH D030342.

Allele frequency attached by ClinVar (database versions not stated): gnomAD exomes 0.00004 and 0.00010; ExAC 0.00017; 1000 Genomes Project 30x 0.00021; 1000 Genomes Project 0.00026; gnomAD 0.00036 and 0.00037; ESP Exome Variant Server 0.00038; TOPMed 0.00047.

Submissions (4):

Labcorp Genetics (formerly Invitae), Labcorp
Classification: Benign for SLC35A2-congenital disorder of glycosylation. Last evaluated: 2025-12-28. Review status: criteria provided, single submitter. Criteria: Invitae Variant Classification Sherloc (09022015). Collection method: clinical testing. Allele origin: germline.

Blueprint Genetics
Classification: Likely benign. Last evaluated: 2024-11-28. Review status: criteria provided, single submitter. Criteria: ACMG Guidelines, 2015. Collection method: clinical testing. Allele origin: germline.

GeneDx
Classification: Likely benign. Last evaluated: 2018-03-06. Review status: criteria provided, single submitter. Criteria: GeneDx Variant Classification (06012015). Collection method: clinical testing. Allele origin: germline. Affected: yes.
Comment: This variant is considered likely benign or benign based on one or more of the following criteria: it is a conservative change, it occurs at a poorly conserved position in the protein, it is predicted to be benign by multiple in silico algorithms, and/or has population frequency not consistent with disease.

Ambry Genetics
Classification: Likely benign for Inborn genetic diseases. Last evaluated: 2016-12-28. Review status: criteria provided, single submitter. Criteria: Ambry Variant Classification Scheme 2023. Collection method: clinical testing. Allele origin: germline.